The following is an entry in ClinVar:

ClinVar aggregate classification (germline): Pathogenic/Likely pathogenic. Review status: criteria provided, multiple submitters, no conflicts (2 of 4 stars). 3 submissions from 3 submitters: Pathogenic (1); Likely pathogenic (2). Last evaluated 2025-10-17.

Conditions:
Autosomal recessive hypophosphatemic bone disease (HHRH). Also called: HYPERCALCIURIC RICKETS; Hypophosphatemic rickets with hypercalciuria. Identifiers: Orphanet 157215, MedGen C1853271, MONDO:0009431, OMIM 241530.
SLC34A3-related disorder. Also called: SLC34A3-related condition.

Allele frequency attached by ClinVar (database versions not stated): gnomAD exomes 0.00001 and 0.00005; TOPMed 0.00001; ExAC 0.00002; gnomAD 0.00002; ESP Exome Variant Server 0.00008.

Submissions (3):

PreventionGenetics, part of Exact Sciences
Classification: Likely pathogenic for SLC34A3-related condition. Last evaluated: 2025-10-17. Review status: criteria provided, single submitter. Criteria: ACMG Guidelines, 2015. Collection method: clinical testing. Allele origin: germline.
Comment: The SLC34A3 c.3G>A variant is predicted to disrupt the translation initiation site (Start loss). Of note, the 3′ region of this variant lacks any nearby alternative start codons. This variant has been reported in the compound heterozygous state in a patient with renal tract calcification or stones (Sadeghi-Alavijeh et al. 2023. PubMed ID: 37414395). This variant is reported in 0.0039% of alleles in individuals of European (non-Finnish) descent in gnomAD. In ClinVar, this variant is interpreted as a pathogenic or likely pathogenic variant (Variation ID: 1008911).  This variant is interpreted as likely pathogenic.

Labcorp Genetics (formerly Invitae), Labcorp
Classification: Pathogenic. Last evaluated: 2025-07-13. Review status: criteria provided, single submitter. Criteria: Invitae Variant Classification Sherloc (09022015). Collection method: clinical testing. Allele origin: germline.
Comment: This sequence change affects the initiator codon of the SLC34A3 mRNA. This change may impact translation initiation or efficiency. The next in-frame methionine is located at codon 145. This variant is present in population databases (rs369400414, gnomAD 0.004%). This variant has not been reported in the literature in individuals affected with SLC34A3-related conditions. ClinVar contains an entry for this variant (Variation ID: 1008911). This variant disrupts a region of the SLC34A3 protein in which other variant(s) (p.Thr137Met) have been determined to be pathogenic (PMID: 18480181). This suggests that this is a clinically significant region of the protein, and that variants that disrupt it are likely to be disease-causing. For these reasons, this variant has been classified as Pathogenic.

Fulgent Genetics
Classification: Likely pathogenic for Autosomal recessive hypophosphatemic bone disease. Last evaluated: 2024-05-17. Review status: criteria provided, single submitter. Criteria: ACMG Guidelines, 2015. Collection method: clinical testing. Allele origin: germline.

Literature cited by the submitters: PubMed 18480181 (cited by Labcorp Genetics (formerly Invitae), Labcorp).

NM_001177316.2(SLC34A3):c.3G>A (p.Met1Ile)

Gene: SLC34A3 (solute carrier family 34 member 3; plus strand). Cytogenetic location: 9q34.3.
Variant type: single nucleotide variant.
Coding change: c.3G>A on transcript NM_001177316.2 (MANE Select); coding-DNA position 3, G replaced by A.
Protein change: p.Met1Ile; changes the start codon (methionine 1).
Molecular consequence: missense variant, initiator codon variant.
Genome position (GRCh38, 1-based): chr9:137,231,705, G>A. VCF-style: chr9-137231705-G-A. GRCh37 (hg19) VCF-style: chr9-140126157-G-A.
Other names: c.3G>A, p.Met1Ile (NM_001177317.2, NM_080877.3); c.3G>A (NM_080877.2); short protein forms M1I.
Identifiers: ClinVar variation 1008911 (VCV001008911.10), dbSNP rs369400414, ClinGen allele CA5364161.